The following is an entry in ClinVar:

NM_015015.3(KDM4B):c.113A>G (p.Gln38Arg)

Gene: KDM4B (lysine demethylase 4B; plus strand). Cytogenetic location: 19p13.3.
Variant type: single nucleotide variant.
Coding change: c.113A>G on transcript NM_015015.3 (MANE Select); coding-DNA position 113, A replaced by G.
Protein change: p.Gln38Arg; replaces glutamine 38 with arginine.
Molecular consequence: missense variant.
Genome position (GRCh38, 1-based): chr19:5,033,003, A>G. VCF-style: chr19-5033003-A-G. GRCh37 (hg19) VCF-style: chr19-5033014-A-G.
Other names: c.113A>G, p.Gln38Arg (NM_001370093.1, NM_001370094.1, NM_001411148.1); short protein forms Q38R.
Identifiers: ClinVar variation 3384562 (VCV003384562.1).

ClinVar aggregate classification (germline): Uncertain significance (1 of 4 stars; one submission).

gnomAD v4.1: 1 of 1,613,900 alleles (0.000062%); highest among the groups gnomAD compares: Non-Finnish European, 0.000085%; no homozygotes.

Submission:

GeneDx
Classification: Uncertain significance. Last evaluated: 2024-06-04. Review status: criteria provided, single submitter. Criteria: GeneDx Variant Classification Process June 2021. Collection method: clinical testing. Allele origin: germline. Affected: yes.
Comment: Not observed at significant frequency in large population cohorts (gnomAD); In silico analysis supports that this missense variant has a deleterious effect on protein structure/function; Has not been previously published as pathogenic or benign to our knowledge